The following is an entry in ClinVar:

ClinVar aggregate classification (germline): Uncertain significance (1 of 4 stars; one submission).

Conditions:
Cardiomyopathy (CMYO). Also called: Cardiomyopathies. Identifiers: Orphanet 167848, MedGen C0878544, MONDO:0004994, HP:0001638. Inheritance: Various modes of inheritance.

Allele frequency attached by ClinVar (database versions not stated): gnomAD exomes below 0.00001.
gnomAD v4.1: 1 of 1,613,576 alleles (0.000062%); highest among the groups gnomAD compares: Non-Finnish European, 0.000085%; no homozygotes.

Submission:

Color Diagnostics, LLC DBA Color Health
Classification: Uncertain significance for Cardiomyopathy. Last evaluated: 2023-12-05. Review status: criteria provided, single submitter. Criteria: ACMG Guidelines, 2015. Collection method: clinical testing. Allele origin: germline.
Comment: Variant of Uncertain Significance due to insufficient evidence: This missense variant replaces serine with alanine at codon 1883 of the DSP protein. Computational prediction tools and conservation analyses suggest that this variant may not impact the protein function. Computational splicing tools suggest that this variant may not impact RNA splicing. To our knowledge, functional assays have not been performed for this variant nor has this variant been reported in individuals affected with cardiovascular disorders in the literature. This variant has not been identified in the general population by the Genome Aggregation Database (gnomAD). Available evidence is insufficient to determine the role of this variant in disease conclusively.

NM_004415.4(DSP):c.5647T>G (p.Ser1883Ala)

Gene: DSP (desmoplakin; plus strand). Cytogenetic location: 6p24.3.
Variant type: single nucleotide variant.
Coding change: c.5647T>G on transcript NM_004415.4 (MANE Select); coding-DNA position 5647, T replaced by G.
Protein change: p.Ser1883Ala; replaces serine 1883 with alanine.
Molecular consequence: missense variant.
Genome position (GRCh38, 1-based): chr6:7,582,909, T>G. VCF-style: chr6-7582909-T-G. GRCh37 (hg19) VCF-style: chr6-7583142-T-G.
Other names: c.3850T>G, p.Ser1284Ala (NM_001008844.3); c.4318T>G, p.Ser1440Ala (NM_001319034.2); short protein forms S1284A, S1440A, S1883A.
Identifiers: ClinVar variation 922971 (VCV000922971.5), dbSNP rs1056652234, ClinGen allele CA362689093.